The following is an entry in ClinVar:

NM_177438.3(DICER1):c.1606C>T (p.Arg536Cys)

Gene: DICER1 (dicer 1, ribonuclease III; minus strand). Cytogenetic location: 14q32.13.
Variant type: single nucleotide variant.
Coding change: c.1606C>T on transcript NM_177438.3 (MANE Select); coding-DNA position 1606, C replaced by T.
Protein change: p.Arg536Cys; replaces arginine 536 with cysteine.
Molecular consequence: missense variant.
Genome position (GRCh38, 1-based): chr14:95,116,599, G>A on the plus strand (C>T on the coding strand, the complement: DICER1 is on the minus strand). VCF-style: chr14-95116599-G-A. GRCh37 (hg19) VCF-style: chr14-95582936-G-A.
Other names: NM_177438.3(DICER1):c.1606C>T; p.Arg536Cys; c.1606C>T, p.Arg536Cys (NM_001195573.1, NM_001271282.3, NM_001291628.2 and 1 more transcripts); short protein forms R536C.
Identifiers: ClinVar variation 483466 (VCV000483466.16), dbSNP rs1007754435, ClinGen allele CA265916542.

ClinVar aggregate classification (germline): Uncertain significance. Review status: reviewed by expert panel (3 of 4 stars). 3 submissions from 3 submitters: Uncertain significance (1). 2 of the submissions do not count toward it. Last evaluated 2025-10-28.

Conditions:
DICER1-related tumor predisposition. Also called: DICER1-related pleuropulmonary blastoma cancer predisposition syndrome; DICER1 syndrome. Identifiers: Orphanet 284343, MedGen C3839822, MONDO:0100216.
Hereditary cancer-predisposing syndrome. Also called: Hereditary neoplastic syndrome; Neoplastic Syndromes, Hereditary; Tumor predisposition; Hereditary Cancer Syndrome. Identifiers: Orphanet 140162, MedGen C0027672, MeSH D009386, MONDO:0015356.

Allele frequency attached by ClinVar (database versions not stated): gnomAD exomes below 0.00001; gnomAD 0.00001; TOPMed 0.00001.
gnomAD v4.1: 5 of 1,613,336 alleles (0.00031%); highest among the groups gnomAD compares: African/African-American, 0.0013%; no homozygotes.

Submissions (3):

ClinGen DICER1 and miRNA-Processing Gene Variant Curation Expert Panel, ClinGen
Classification: Uncertain significance for DICER1-related tumor predisposition. Last evaluated: 2025-10-28. Review status: reviewed by expert panel. Criteria: ClinGen DICER1 ACMG Specifications DICER1 V1.4.0. Collection method: curation. Allele origin: germline. Inheritance: Autosomal dominant inheritance.
Comment: The NM_177438.2:c.1606C>T variant in DICER1 is a missense variant predicted to cause substitution of arginine acid by cysteine at amino acid 536 (p.Arg536Cys). Although this variant has been observed in individuals undergoing genetic sequencing, to our knowledge, this variant has not been reported in individuals with DICER1-related tumor predisposition (PS4 not met; Internal lab contributors). The total allele frequency in gnomAD v4.1.0 is 0.000003099 (5/1613336 alleles) with a highest population minor allele frequency of 0.00001339 (1/74696 alleles) in African/African American population and with multiple alleles present in the European (non-Finnish) population (PM2_Supporting, BS1, and BA1 are not met). The computational predictor REVEL gives a score of 0.659, which is neither above nor below the thresholds predicting a damaging or benign impact on DICER1 function; splice predictors MaxEntScan and SpliceAI indicate no impact on splicing (PP3 and BP4 not met). In summary, since no ACMG/AMP criteria codes can be applied to this variant at this time, this variant is classified as a variant of unknown significance for DICER1-related tumor predisposition. (Bayesian Points: 0; VCEP specifications version 1.4.0; 10/28/2025)

Ambry Genetics
Classification: Uncertain significance for Hereditary cancer-predisposing syndrome. Last evaluated: 2025-09-19. Review status: criteria provided, single submitter. Criteria: Ambry Variant Classification Scheme 2023. Collection method: clinical testing. Allele origin: germline. Not counted in ClinVar's aggregate classification.
Comment: The p.R536C variant (also known as c.1606C>T), located in coding exon 9 of the DICER1 gene, results from a C to T substitution at nucleotide position 1606. The arginine at codon 536 is replaced by cysteine, an amino acid with highly dissimilar properties. This amino acid position is highly conserved in available vertebrate species. In addition, this alteration is predicted to be deleterious by in silico analysis. Since supporting evidence is limited at this time, the clinical significance of this alteration remains unclear.

Labcorp Genetics (formerly Invitae), Labcorp
Classification: Uncertain significance for DICER1-related tumor predisposition. Last evaluated: 2025-06-25. Review status: criteria provided, single submitter. Criteria: Invitae Variant Classification Sherloc (09022015). Collection method: clinical testing. Allele origin: germline. Not counted in ClinVar's aggregate classification.
Comment: This sequence change replaces arginine, which is basic and polar, with cysteine, which is neutral and slightly polar, at codon 536 of the DICER1 protein (p.Arg536Cys). This variant is present in population databases (no rsID available, gnomAD 0.0009%). This variant has not been reported in the literature in individuals affected with DICER1-related conditions. ClinVar contains an entry for this variant (Variation ID: 483466). Invitae Evidence Modeling of protein sequence and biophysical properties (such as structural, functional, and spatial information, amino acid conservation, physicochemical variation, residue mobility, and thermodynamic stability) has been performed for this missense variant. However, the output from this modeling did not meet the statistical confidence thresholds required to predict the impact of this variant on DICER1 protein function. Studies have shown that this missense change is associated with inconclusive levels of altered splicing (internal data). In summary, the available evidence is currently insufficient to determine the role of this variant in disease. Therefore, it has been classified as a Variant of Uncertain Significance.